The following is an entry in ClinVar:

ClinVar aggregate classification (germline): Uncertain significance. Review status: criteria provided, multiple submitters, no conflicts (2 of 4 stars). 3 submissions from 3 submitters: Uncertain significance (3). Last evaluated 2025-10-18.

Conditions:
MEGF10-related myopathy (CMYO10A). Also called: Congenital myopathy 10A, severe variant. Identifiers: Orphanet 439212, MedGen C3280679, MONDO:0013731, OMIM 614399.
Inborn genetic diseases. Identifiers: MedGen C0950123, MeSH D030342.

Allele frequency attached by ClinVar (database versions not stated): ExAC 0.00002; gnomAD exomes 0.00002 and 0.00004; gnomAD 0.00013 and 0.00015; ESP Exome Variant Server 0.00015; TOPMed 0.00017.
gnomAD v4.1: 47 of 1,613,972 alleles (0.0029%); highest among the groups gnomAD compares: African/African-American, 0.052%; no homozygotes.

Submissions (3):

Ambry Genetics
Classification: Uncertain significance for Inborn genetic diseases. Last evaluated: 2025-10-18. Review status: criteria provided, single submitter. Criteria: Ambry Variant Classification Scheme 2023. Collection method: clinical testing. Allele origin: germline.

Labcorp Genetics (formerly Invitae), Labcorp
Classification: Uncertain significance for MEGF10-related myopathy. Last evaluated: 2024-12-28. Review status: criteria provided, single submitter. Criteria: Invitae Variant Classification Sherloc (09022015). Collection method: clinical testing. Allele origin: germline.
Comment: This sequence change replaces arginine, which is basic and polar, with lysine, which is basic and polar, at codon 1057 of the MEGF10 protein (p.Arg1057Lys). This variant is present in population databases (rs374156507, gnomAD 0.04%). This variant has not been reported in the literature in individuals affected with MEGF10-related conditions. ClinVar contains an entry for this variant (Variation ID: 430134). An algorithm developed to predict the effect of missense changes on protein structure and function (PolyPhen-2) suggests that this variant¬†is likely to be tolerated. In summary, the available evidence is currently insufficient to determine the role of this variant in disease. Therefore, it has been classified as a Variant of Uncertain Significance.

GeneDx
Classification: Uncertain significance. Last evaluated: 2017-07-20. Review status: criteria provided, single submitter. Criteria: GeneDx Variant Classification (06012015). Collection method: clinical testing. Allele origin: germline. Affected: yes.
Comment: A variant of uncertain significance has been identified in the MEGF10 gene. The R1057K variant has not been published as a pathogenic variant, nor has it been reported as a benign variant to our knowledge. The R1057K variant is not observed at a significant frequency in large population cohorts (Lek et al., 2016; 1000 Genomes Consortium et al., 2015; Exome Variant Server). The R1057K variant is a conservative amino acid substitution, which is not likely to impact secondary protein structure as these residues share similar properties. This substitution occurs at a position where amino acids with similar properties to Arginine are tolerated across species. In silico analysis is inconsistent in its predictions as to whether or not the variant is damaging to the protein structure/function. Based on the currently available information, it is unclear whether this variant is a pathogenic variant or a rare benign variant.

NM_001256545.2(MEGF10):c.3170G>A (p.Arg1057Lys)

Gene: MEGF10 (multiple EGF like domains 10; plus strand). Cytogenetic location: 5q23.2.
Variant type: single nucleotide variant.
Coding change: c.3170G>A on transcript NM_001256545.2 (MANE Select); coding-DNA position 3170, G replaced by A.
Protein change: p.Arg1057Lys; replaces arginine 1057 with lysine.
Molecular consequence: missense variant.
Genome position (GRCh38, 1-based): chr5:127,455,545, G>A. VCF-style: chr5-127455545-G-A. GRCh37 (hg19) VCF-style: chr5-126791237-G-A.
Other names: c.3170G>A, p.Arg1057Lys (NM_032446.3); short protein forms R1057K.
Identifiers: ClinVar variation 430134 (VCV000430134.10), dbSNP rs374156507, ClinGen allele CA3392150.